The following is an entry in ClinVar:

NC_000009.11:g.(?_137582738)_(137593199_?)dup

Gene: COL5A1 (collagen type V alpha 1 chain; plus strand). Cytogenetic location: 9q34.3.
Variant type: Duplication.
Identifiers: ClinVar variation 459647 (VCV000459647.8).

ClinVar aggregate classification (germline): Likely pathogenic. Review status: criteria provided, single submitter (1 of 4 stars). 2 submissions from 1 submitter: Likely pathogenic (2). Last evaluated 2017-09-29.

Conditions:
Ehlers-Danlos syndrome, classic type, 1 (EDSCL1). Also called: EHLERS-DANLOS SYNDROME, GRAVIS TYPE; EHLERS-DANLOS SYNDROME, SEVERE CLASSIC TYPE; EDS I; Ehlers-Danlos Syndrome, Classic Type, COL5A1-Related; Ehlers-Danlos syndrome, type 1. Identifiers: MedGen C0268335, MONDO:0019567, OMIM 130000.
Ehlers-Danlos syndrome, classic type (cEDS). Identifiers: Orphanet 287, MedGen C4225429, MONDO:0007522.

Submissions (2):

Labcorp Genetics (formerly Invitae), Labcorp
Classification: Likely pathogenic for Ehlers-Danlos syndrome, classic type, 1. Last evaluated: 2017-09-29. Review status: criteria provided, single submitter. Criteria: Invitae Variant Classification Sherloc (09022015). Collection method: clinical testing. Allele origin: germline.
Comment: This variant is a gross duplication of the genomic region encompassing exons 2-4 of the COL5A1 gene. While the exact position of the duplicated exons cannot be determined from this data, the duplicated copy of this region is likely in tandem and may result in an absent or disrupted protein product. This variant has not been reported in the literature in individuals with COL5A1-related disease. Sub-genic duplications are generally in tandem (PMID: 25640679), and result in an absent or disrupted protein. Loss-of-function variants in COL5A1 are known to be pathogenic (PMID: 23587214). In summary, the currently available evidence indicates that the variant is pathogenic, but additional data are needed to prove that conclusively. Therefore, this variant has been classified as Likely Pathogenic.

Labcorp Genetics (formerly Invitae), Labcorp
Classification: Likely pathogenic for Ehlers-Danlos syndrome, classic type, 1. Last evaluated: 2017-09-20. Review status: criteria provided, single submitter. Criteria: Invitae Variant Classification Sherloc (09022015). Collection method: clinical testing. Allele origin: germline.
Comment: In summary, the currently available evidence indicates that the variant is pathogenic, but additional data are needed to prove that conclusively. Therefore, this variant has been classified as Likely Pathogenic. Loss-of-function variants in COL5A1 are known to be pathogenic (PMID: 23587214). Sub-genic duplications are generally in tandem (PMID: 25640679), and result in an absent or disrupted protein. This variant has not been reported in the literature in individuals with COL5A1-related disease. This variant is a gross duplication of the genomic region encompassing exons 2-4 of the COL5A1 gene. While the exact position of the duplicated exons cannot be determined from this data, the duplicated copy of this region is likely in tandem and may result in an absent or disrupted protein product.

Literature cited by the submitters: PubMed 23587214; PubMed 25640679.